The following is an entry in ClinVar:

NM_006767.4(LZTR1):c.947T>A (p.Val316Glu)

Gene: LZTR1 (leucine zipper like post translational regulator 1; plus strand). Cytogenetic location: 22q11.21.
Variant type: single nucleotide variant.
Coding change: c.947T>A on transcript NM_006767.4 (MANE Select); coding-DNA position 947, T replaced by A.
Protein change: p.Val316Glu; replaces valine 316 with glutamic acid.
Molecular consequence: missense variant.
Genome position (GRCh38, 1-based): chr22:20,991,783, T>A. VCF-style: chr22-20991783-T-A. GRCh37 (hg19) VCF-style: chr22-21346072-T-A.
Other names: short protein forms V316E.
Identifiers: ClinVar variation 3541660 (VCV003541660.1).

ClinVar aggregate classification (germline): Uncertain significance (1 of 4 stars; one submission).

Conditions:
Hereditary cancer-predisposing syndrome. Also called: Hereditary Cancer Syndrome; Hereditary neoplastic syndrome; Tumor predisposition; Neoplastic Syndromes, Hereditary. Identifiers: Orphanet 140162, MedGen C0027672, MeSH D009386, MONDO:0015356.
Cardiovascular phenotype. Identifiers: MedGen CN230736.

Submission:

Ambry Genetics
Classification: Uncertain significance for Cardiovascular phenotype; Hereditary cancer-predisposing syndrome. Last evaluated: 2024-10-15. Review status: criteria provided, single submitter. Criteria: Ambry Variant Classification Scheme 2023. Collection method: clinical testing. Allele origin: germline.
Comment: The p.V316E variant (also known as c.947T>A), located in coding exon 9 of the LZTR1 gene, results from a T to A substitution at nucleotide position 947. The valine at codon 316 is replaced by glutamic acid, an amino acid with dissimilar properties. This amino acid position is conserved. In addition, this alteration is predicted to be deleterious by in silico analysis. Based on the available evidence, the clinical significance of this variant remains unclear.